The following is an entry in ClinVar:

ClinVar aggregate classification (germline): Conflicting classifications of pathogenicity. Review status: criteria provided, conflicting classifications (1 of 4 stars). 6 submissions from 6 submitters: Uncertain significance (5); Likely benign (1). Last evaluated 2025-08-25.

Conditions:
PALB2-related disorder. Also called: PALB2-related condition; PALB2-related disorders.
Hereditary cancer-predisposing syndrome. Also called: Neoplastic Syndromes, Hereditary; Hereditary Cancer Syndrome; Tumor predisposition; Hereditary neoplastic syndrome. Identifiers: Orphanet 140162, MedGen C0027672, MeSH D009386, MONDO:0015356.
Familial cancer of breast. Also called: BREAST CANCER, FAMILIAL; Hereditary breast cancer; hereditary breast carcinoma. Identifiers: Orphanet 227535, MedGen C0346153, MONDO:0016419, OMIM 114480. Disease mechanism: loss of function.

Allele frequency attached by ClinVar (database versions not stated): gnomAD exomes below 0.00001.
gnomAD v4.1: 4 of 1,610,490 alleles (0.00025%); highest among the groups gnomAD compares: South Asian, 0.0044%; no homozygotes.

Submissions (6):

Quest Diagnostics Nichols Institute San Juan Capistrano
Classification: Uncertain significance. Last evaluated: 2025-08-25. Review status: criteria provided, single submitter. Criteria: Quest Diagnostics criteria. Collection method: clinical testing. Allele origin: unknown.
Comment: The PALB2 c.233T>C (p.Val78Ala) variant has not been reported in individuals with PALB2-related conditions in the published literature. The frequency of this variant in the general population (Genome Aggregation Database) is uninformative in the assessment of its pathogenicity. Analysis of this variant using bioinformatics tools for the prediction of the effect of amino acid changes on protein structure and function yielded predictions that this variant is benign. Based on the available information, we are unable to determine the clinical significance of this variant.

Labcorp Genetics (formerly Invitae), Labcorp
Classification: Uncertain significance for Familial cancer of breast. Last evaluated: 2025-07-31. Review status: criteria provided, single submitter. Criteria: Invitae Variant Classification Sherloc (09022015). Collection method: clinical testing. Allele origin: germline.
Comment: This sequence change replaces valine, which is neutral and non-polar, with alanine, which is neutral and non-polar, at codon 78 of the PALB2 protein (p.Val78Ala). This variant is present in population databases (no rsID available, gnomAD 0.003%). This variant has not been reported in the literature in individuals affected with PALB2-related conditions. ClinVar contains an entry for this variant (Variation ID: 482026). An algorithm developed to predict the effect of missense changes on protein structure and function (PolyPhen-2) suggests that this variant is likely to be tolerated. In summary, the available evidence is currently insufficient to determine the role of this variant in disease. Therefore, it has been classified as a Variant of Uncertain Significance.

PreventionGenetics, part of Exact Sciences
Classification: Uncertain significance for PALB2-related condition. Last evaluated: 2025-07-14. Review status: criteria provided, single submitter. Criteria: ACMG Guidelines, 2015. Collection method: clinical testing. Allele origin: germline.
Comment: The PALB2 c.233T>C variant is predicted to result in the amino acid substitution p.Val78Ala. To our knowledge, this variant has not been reported in the literature. This variant is reported in 0.0033% of alleles in individuals of South Asian descent in gnomAD. This variant has interpretations of likely benign and uncertain significance in ClinVar. At this time, the clinical significance of this variant is uncertain due to the absence of conclusive functional and genetic evidence.

Ambry Genetics
Classification: Likely benign for Hereditary cancer-predisposing syndrome. Last evaluated: 2024-02-27. Review status: criteria provided, single submitter. Criteria: Ambry Variant Classification Scheme 2023. Collection method: clinical testing. Allele origin: germline.

Color Diagnostics, LLC DBA Color Health
Classification: Uncertain significance for Hereditary cancer-predisposing syndrome. Last evaluated: 2023-12-05. Review status: criteria provided, single submitter. Criteria: ACMG Guidelines, 2015. Collection method: clinical testing. Allele origin: germline.
Comment: This missense variant replaces valine with alanine at codon 78 of the PALB2 protein. Computational prediction suggests that this variant may not impact protein structure and function (internally defined REVEL score threshold <= 0.5, PMID: 27666373). To our knowledge, functional studies have not been reported for this variant. This variant has not been reported in individuals affected with PALB2-related disorders in the literature. This variant has been identified in 1/247300 chromosomes in the general population by the Genome Aggregation Database (gnomAD). The available evidence is insufficient to determine the role of this variant in disease conclusively. Therefore, this variant is classified as a Variant of Uncertain Significance.

Institute for Biomarker Research, Medical Diagnostic Laboratories, L.L.C.
Classification: Uncertain significance for Hereditary cancer-predisposing syndrome. Last evaluated: 2023-06-22. Review status: criteria provided, single submitter. Criteria: ACMG Guidelines, 2015. Collection method: clinical testing. Allele origin: germline.

NM_024675.4(PALB2):c.233T>C (p.Val78Ala)

Gene: PALB2 (partner and localizer of BRCA2; minus strand). Cytogenetic location: 16p12.2.
Variant type: single nucleotide variant.
Coding change: c.233T>C on transcript NM_024675.4 (MANE Select); coding-DNA position 233, T replaced by C.
Protein change: p.Val78Ala; replaces valine 78 with alanine.
Molecular consequence: missense variant.
Genome position (GRCh38, 1-based): chr16:23,636,313, A>G on the plus strand (T>C on the coding strand, the complement: PALB2 is on the minus strand). VCF-style: chr16-23636313-A-G. GRCh37 (hg19) VCF-style: chr16-23647634-A-G.
Other names: short protein forms V78A.
Identifiers: ClinVar variation 482026 (VCV000482026.24), dbSNP rs1313634930, ClinGen allele CA395138944.